The following is an entry in ClinVar:

ClinVar aggregate classification (germline): Pathogenic (1 of 4 stars; one submission).

Conditions:
Primary ciliary dyskinesia. Also called: Ciliary dyskinesia. Identifiers: Orphanet 244, MedGen C0008780, MONDO:0016575, HP:0012265.

Submission:

Ambry Genetics
Classification: Pathogenic for Primary ciliary dyskinesia. Last evaluated: 2018-01-18. Review status: criteria provided, single submitter. Criteria: Ambry Variant Classification Scheme 2023. Collection method: clinical testing. Allele origin: germline.
Comment: The c.393delT pathogenic mutation, located in coding exon 5 of the OFD1 gene, results from a deletion of one nucleotide at nucleotide position 393, causing a translational frameshift with a predicted alternate stop codon (p.D132Ifs*13). This alteration is expected to result in loss of function by premature protein truncation or nonsense-mediated mRNA decay. As such, this alteration is interpreted as a disease-causing mutation.

NM_003611.3(OFD1):c.393del (p.Asp132fs)

Gene: OFD1 (OFD1 centriole and centriolar satellite protein; plus strand). Cytogenetic location: Xp22.2.
Variant type: Deletion.
Coding change: c.393del on transcript NM_003611.3 (MANE Select); coding-DNA position 393, one base deleted (T; older notation c.393delT).
Protein change: p.Asp132fs; shifts the reading frame from aspartic acid 132.
Molecular consequence: frameshift variant. On other transcripts: 5 prime UTR variant (1).
Genome position (GRCh38, 1-based): chrX:13,739,013, T deleted. VCF-style (leftmost placement, unchanged base first): chrX-13739012-CT-C. GRCh37 (hg19) VCF-style: chrX-13757131-CT-C.
Other names: c.393del, p.Asp132fs (NM_001330209.2); c.-153del (NM_001330210.2); short protein forms D132fs.
Identifiers: ClinVar variation 1736333 (VCV001736333.2), dbSNP rs2518777923, ClinGen allele CA2580100356.